The following is an entry in ClinVar:

NM_000038.6(APC):c.7200A>G (p.Gly2400=)

Gene: APC (APC regulator of Wnt signaling pathway; plus strand). Cytogenetic location: 5q22.2.
Variant type: single nucleotide variant.
Coding change: c.7200A>G on transcript NM_000038.6 (MANE Select); coding-DNA position 7200, A replaced by G.
Protein change: p.Gly2400=; no amino-acid change (glycine 2400 retained).
Molecular consequence: synonymous variant.
Genome position (GRCh38, 1-based): chr5:112,842,794, A>G. VCF-style: chr5-112842794-A-G. GRCh37 (hg19) VCF-style: chr5-112178491-A-G.
Other names: c.7200A>G, p.Gly2400= (NM_001127510.3, NM_001354895.2); c.7146A>G, p.Gly2382= (NM_001127511.3); c.7254A>G, p.Gly2418= (NM_001354896.2); c.7230A>G, p.Gly2410= (NM_001354897.2); c.7125A>G, p.Gly2375= (NM_001354898.2); c.7116A>G, p.Gly2372= (NM_001354899.2); c.7077A>G, p.Gly2359= (NM_001354900.2); c.7023A>G, p.Gly2341= (NM_001354901.2); and 5 more.
Identifiers: ClinVar variation 926482 (VCV000926482.23), dbSNP rs1766408359, ClinGen allele CA446210192.

ClinVar aggregate classification (germline): Benign/Likely benign. Review status: criteria provided, multiple submitters, no conflicts (2 of 4 stars). 5 submissions from 5 submitters: Benign (1); Likely benign (4). Last evaluated 2025-10-08.

Conditions:
Familial adenomatous polyposis 1 (FAP1). Also called: FAMILIAL ADENOMATOUS POLYPOSIS 1, ATTENUATED; POLYPOSIS, ADENOMATOUS INTESTINAL. Identifiers: MedGen C2713442, MONDO:0021056, OMIM 175100. Disease mechanism: loss of function.
Hereditary cancer-predisposing syndrome. Also called: Neoplastic Syndromes, Hereditary; Tumor predisposition; Hereditary neoplastic syndrome; Hereditary Cancer Syndrome. Identifiers: Orphanet 140162, MedGen C0027672, MeSH D009386, MONDO:0015356.

Submissions (5):

Labcorp Genetics (formerly Invitae), Labcorp
Classification: Likely benign for Familial adenomatous polyposis 1. Last evaluated: 2025-10-08. Review status: criteria provided, single submitter. Criteria: Invitae Variant Classification Sherloc (09022015). Collection method: clinical testing. Allele origin: germline.

CeGaT Center for Human Genetics Tuebingen
Classification: Likely benign. Last evaluated: 2025-08-01. Review status: criteria provided, single submitter. Criteria: CeGaT Center For Human Genetics Tuebingen Variant Classification Criteria Version 2. Collection method: clinical testing. Allele origin: germline. Affected: yes. Observed: 1 variant allele.
Comment: APC: PM2:Supporting, BP4, BP7

Myriad Genetics, Inc.
Classification: Benign for Familial adenomatous polyposis 1. Last evaluated: 2024-04-09. Review status: criteria provided, single submitter. Criteria: Myriad Autosomal Dominant, Autosomal Recessive and X-Linked Classification Criteria (2023). Collection method: clinical testing. Allele origin: unknown.
Comment: This variant is considered benign. This variant is a silent/synonymous amino acid change and it is not expected to impact splicing.

Ambry Genetics
Classification: Likely benign for Hereditary cancer-predisposing syndrome. Last evaluated: 2021-04-23. Review status: criteria provided, single submitter. Criteria: Ambry Variant Classification Scheme 2023. Collection method: clinical testing. Allele origin: germline.

Color Diagnostics, LLC DBA Color Health
Classification: Likely benign for Hereditary cancer-predisposing syndrome. Last evaluated: 2019-12-10. Review status: criteria provided, single submitter. Criteria: ACMG Guidelines, 2015. Collection method: clinical testing. Allele origin: germline.